The following is an entry in ClinVar:

NM_001370259.2(MEN1):c.225C>A (p.Leu75=)

Gene: MEN1 (menin 1; minus strand). Cytogenetic location: 11q13.1.
Variant type: single nucleotide variant.
Coding change: c.225C>A on transcript NM_001370259.2 (MANE Select); coding-DNA position 225, C replaced by A.
Protein change: p.Leu75=; no amino-acid change (leucine 75 retained).
Molecular consequence: synonymous variant.
Genome position (GRCh38, 1-based): chr11:64,809,885, G>T on the plus strand (C>A on the coding strand, the complement: MEN1 is on the minus strand). VCF-style: chr11-64809885-G-T. GRCh37 (hg19) VCF-style: chr11-64577357-G-T.
Other names: c.225C>A, p.Leu75= (NM_000244.4, NM_001370251.2, NM_001370260.2 and 9 more transcripts).
Identifiers: ClinVar variation 508075 (VCV000508075.10), dbSNP rs1333791405, ClinGen allele CA475163804.

ClinVar aggregate classification (germline): Likely benign. Review status: criteria provided, multiple submitters, no conflicts (2 of 4 stars). 3 submissions from 3 submitters: Likely benign (3). Last evaluated 2026-02-03.

Conditions:
MEN1-related disorder. Also called: MEN1-related condition.
Multiple endocrine neoplasia, type 1 (MEN1). Also called: MEA I; MEN I; WERMER SYNDROME; Endocrine adenomatosis multiple; MEN 1. Identifiers: Orphanet 652, MedGen C0025267, MeSH D018761, MONDO:0007540, OMIM 131100.

gnomAD v4.1: 2 of 1,599,938 alleles (0.00013%); highest among the groups gnomAD compares: African/African-American, 0.0013%; no homozygotes.

Submissions (3):

PreventionGenetics, part of Exact Sciences
Classification: Likely benign for MEN1-related condition. Last evaluated: 2026-02-03. Review status: criteria provided, single submitter. Criteria: ACMG Guidelines, 2015. Collection method: clinical testing. Allele origin: germline.
Comment: This variant is classified as likely benign based on ACMG/AMP sequence variant interpretation guidelines (Richards et al. 2015 PMID: 25741868, with internal and published modifications).

Labcorp Genetics (formerly Invitae), Labcorp
Classification: Likely benign for Multiple endocrine neoplasia, type 1. Last evaluated: 2024-05-19. Review status: criteria provided, single submitter. Criteria: Invitae Variant Classification Sherloc (09022015). Collection method: clinical testing. Allele origin: germline.

GeneDx
Classification: Likely benign. Last evaluated: 2017-03-14. Review status: criteria provided, single submitter. Criteria: GeneDx Variant Classification (06012015). Collection method: clinical testing. Allele origin: germline. Affected: yes.
Comment: This variant is considered likely benign or benign based on one or more of the following criteria: it is a conservative change, it occurs at a poorly conserved position in the protein, it is predicted to be benign by multiple in silico algorithms, and/or has population frequency not consistent with disease.